The following is an entry in ClinVar:

ClinVar aggregate classification (germline): Likely benign. Review status: criteria provided, multiple submitters, no conflicts (2 of 4 stars). 2 submissions from 2 submitters: Likely benign (2). Last evaluated 2025-11-01.

Submissions (2):

CeGaT Center for Human Genetics Tuebingen
Classification: Likely benign. Last evaluated: 2025-11-01. Review status: criteria provided, single submitter. Criteria: CeGaT Center For Human Genetics Tuebingen Variant Classification Criteria Version 2. Collection method: clinical testing. Allele origin: germline. Affected: yes. Observed: 2 variant alleles.
Comment: MUC1: BP4, BS2

Blueprint Genetics
Classification: Likely benign. Last evaluated: 2024-11-25. Review status: criteria provided, single submitter. Criteria: ACMG Guidelines, 2015. Collection method: clinical testing. Allele origin: germline.

NM_002456.6(MUC1):c.160-52C>G

Gene: MUC1 (mucin 1, cell surface associated; minus strand). Cytogenetic location: 1q22.
Variant type: single nucleotide variant.
Coding change: c.160-52C>G on transcript NM_002456.6; 52 bases into the intron before coding-DNA position 160, C replaced by G.
Molecular consequence: intron variant. On other transcripts: missense variant (3).
Genome position (GRCh38, 1-based): chr1:155,188,337, G>C on the plus strand (C>G on the coding strand, the complement: MUC1 is on the minus strand). VCF-style: chr1-155188337-G-C. GRCh37 (hg19) VCF-style: chr1-155160813-G-C.
Other names: c.714C>G, p.His238Gln (NM_001204285.2); c.741C>G, p.His247Gln (NM_001204286.1); c.2979C>G, p.His993Gln (NM_001371720.2); c.187-274C>G (NM_001204291.1); c.187-125C>G (NM_001204292.1, NM_001204296.2); c.187-106C>G (NM_001204295.1, NM_001044392.3, NM_001204288.2 and 1 more transcripts); c.124-283C>G (NM_001204290.2); c.160-125C>G (NM_001204294.2, NM_001044393.3, NM_001044390.3); and 4 more; short protein forms H238Q, H247Q, H993Q.
Identifiers: ClinVar variation 3257605 (VCV003257605.18).